The following is an entry in ClinVar:

NM_001384140.1(PCDH15):c.619C>T (p.Pro207Ser)

Gene: PCDH15 (protocadherin related 15; minus strand). Cytogenetic location: 10q21.1.
Variant type: single nucleotide variant.
Coding change: c.619C>T on transcript NM_001384140.1 (MANE Select); coding-DNA position 619, C replaced by T.
Protein change: p.Pro207Ser; replaces proline 207 with serine.
Molecular consequence: missense variant. On other transcripts: intron variant (1).
Genome position (GRCh38, 1-based): chr10:54,329,682, G>A on the plus strand (C>T on the coding strand, the complement: PCDH15 is on the minus strand). VCF-style: chr10-54329682-G-A. GRCh37 (hg19) VCF-style: chr10-56089442-G-A.
Other names: c.634C>T, p.Pro212Ser (NM_001142763.2, NM_001142769.4, NM_001142771.2); c.619C>T, p.Pro207Ser (NM_001142764.2, NM_001142765.2, NM_001142766.2 and 7 more transcripts); c.553C>T, p.Pro185Ser (NM_001142768.2, NM_001142773.2, NM_001354404.2); c.595-12241C>T (NM_001142767.2); short protein forms P207S, P212S, P185S.
Identifiers: ClinVar variation 958463 (VCV000958463.4), dbSNP rs776708410, ClinGen allele CA376541300.

ClinVar aggregate classification (germline): Uncertain significance (1 of 4 stars; one submission).

Submission:

Labcorp Genetics (formerly Invitae), Labcorp
Classification: Uncertain significance. Last evaluated: 2021-09-01. Review status: criteria provided, single submitter. Criteria: Invitae Variant Classification Sherloc (09022015). Collection method: clinical testing. Allele origin: germline.
Comment: This sequence change replaces proline with serine at codon 207 of the PCDH15 protein (p.Pro207Ser). The proline residue is highly conserved and there is a moderate physicochemical difference between proline and serine. This variant is not present in population databases (ExAC no frequency). This variant has not been reported in the literature in individuals affected with PCDH15-related conditions. Algorithms developed to predict the effect of missense changes on protein structure and function are either unavailable or do not agree on the potential impact of this missense change (SIFT: "Tolerated"; PolyPhen-2: "Possibly Damaging"; Align-GVGD: "Class C0"). In summary, the available evidence is currently insufficient to determine the role of this variant in disease. Therefore, it has been classified as a Variant of Uncertain Significance.